The following is an entry in ClinVar:

NM_004356.4(CD81):c.181+3G>A

Gene: CD81 (CD81 molecule; plus strand). Cytogenetic location: 11p15.5.
Variant type: single nucleotide variant.
Coding change: c.181+3G>A on transcript NM_004356.4 (MANE Select); 3 bases into the intron after coding-DNA position 181, G replaced by A.
Molecular consequence: intron variant.
Genome position (GRCh38, 1-based): chr11:2,390,529, G>A. VCF-style: chr11-2390529-G-A. GRCh37 (hg19) VCF-style: chr11-2411759-G-A.
Other names: c.-33+3G>A (NM_001425129.1, NM_001297649.2, NM_001425131.1 and 3 more transcripts); c.181+3G>A (NM_001425135.1, NM_001425137.1); c.-33+7G>A (NM_001425130.1).
Identifiers: ClinVar variation 4804375 (VCV004804375.1).
Genomic context (GRCh38, chr11:2,390,529, plus strand): 5'-ACCAACCTCCTGTATCTGGAGCTGGGAGACAAGCCCGCGCCCAACACCTTCTATGTAGGT[G>A]AGTGCACATGTGGCCGCAGACGCATTCAGGGAGGGCTTCTAGGAGGAGGCAGGTCCTAGC-3'

ClinVar aggregate classification (germline): Uncertain significance (1 of 4 stars; one submission).

gnomAD v4.1: 2 of 1,601,114 alleles (0.00012%); highest among the groups gnomAD compares: Admixed American, 0.0033%; no homozygotes.

Submission:

Labcorp Genetics (formerly Invitae), Labcorp
Classification: Uncertain significance. Last evaluated: 2025-12-04. Review status: criteria provided, single submitter. Criteria: Invitae Variant Classification Sherloc (09022015). Collection method: clinical testing. Allele origin: germline.
Comment: This sequence change falls in intron 2 of the CD81 gene. It does not directly change the encoded amino acid sequence of the CD81 protein. It affects a nucleotide within the consensus splice site. This variant is present in population databases (rs113863426, gnomAD 0.006%). This variant has not been reported in the literature in individuals affected with CD81-related conditions. Variants that disrupt the consensus splice site are a relatively common cause of aberrant splicing (PMID: 17576681, 9536098). Algorithms developed to predict the effect of sequence changes on RNA splicing suggest that this variant is not likely to affect RNA splicing. In summary, the available evidence is currently insufficient to determine the role of this variant in disease. Therefore, it has been classified as a Variant of Uncertain Significance.

Literature cited by the submitters: PubMed 17576681; PubMed 9536098.